The following is an entry in ClinVar:

NM_014491.4(FOXP2):c.598-10C>T

Gene: FOXP2 (forkhead box P2; plus strand). Cytogenetic location: 7q31.1.
Variant type: single nucleotide variant.
Coding change: c.598-10C>T on transcript NM_014491.4 (MANE Select); 10 bases into the intron before coding-DNA position 598, C replaced by T.
Molecular consequence: intron variant.
Genome position (GRCh38, 1-based): chr7:114,631,518, C>T. VCF-style: chr7-114631518-C-T. GRCh37 (hg19) VCF-style: chr7-114271573-C-T.
Other names: c.673-10C>T (NM_148898.4, NM_001172767.2); c.649-10C>T (NM_148900.4); c.598-13C>T (NM_001172766.3); c.598-10C>T (NM_148899.3).
Identifiers: ClinVar variation 358605 (VCV000358605.9), dbSNP rs369461083, ClinGen allele CA4445868.

ClinVar aggregate classification (germline): Benign/Likely benign. Review status: criteria provided, multiple submitters, no conflicts (2 of 4 stars). 3 submissions from 3 submitters: Benign (1); Likely benign (2). Last evaluated 2024-04-08.

Conditions:
Childhood apraxia of speech (SPCH1). Also called: SPEECH AND LANGUAGE DISORDER WITH OROFACIAL DYSPRAXIA; DEVELOPMENTAL VERBAL DYSPRAXIA; Speech language disorder; FOXP2-Related Speech and Language Disorder. Identifiers: Orphanet 209908, MedGen C0750927, MONDO:0011184, OMIM 602081.

Allele frequency attached by ClinVar (database versions not stated): gnomAD exomes 0.00007 and 0.00037; gnomAD 0.00009 and 0.00013; TOPMed 0.00019; ExAC 0.00029; 1000 Genomes Project 30x 0.00062; 1000 Genomes Project 0.00080.
gnomAD v4.1: 141 of 1,558,306 alleles (0.009%); highest among the groups gnomAD compares: East Asian, 0.26%; no homozygotes.

Submissions (3):

Blueprint Genetics
Classification: Likely benign. Last evaluated: 2024-04-08. Review status: criteria provided, single submitter. Criteria: ACMG Guidelines, 2015. Collection method: clinical testing. Allele origin: germline.

Labcorp Genetics (formerly Invitae), Labcorp
Classification: Likely benign. Last evaluated: 2018-02-02. Review status: criteria provided, single submitter. Criteria: Invitae Variant Classification Sherloc (09022015). Collection method: clinical testing. Allele origin: germline.

Illumina Laboratory Services, Illumina
Classification: Benign for Childhood apraxia of speech. Last evaluated: 2018-01-13. Review status: criteria provided, single submitter. Criteria: ICSL Variant Classification Criteria 13 December 2019. Collection method: clinical testing. Allele origin: germline.
Comment: This variant was observed in the ICSL laboratory as part of a predisposition screen in an ostensibly healthy population. It had not been previously curated by ICSL or reported in the Human Gene Mutation Database (HGMD: prior to June 1st, 2018), and was therefore a candidate for classification through an automated scoring system. Utilizing variant allele frequency, disease prevalence and penetrance estimates, and inheritance mode, an automated score was calculated to assess if this variant is too frequent to cause the disease. Based on the score and internal cut-off values, a variant classified as benign is not then subjected to further curation. The score for this variant resulted in a classification of benign for this disease.